The following is an entry in ClinVar:

NM_001042492.3(NF1):c.7605del (p.Lys2536fs)

Gene: NF1 (neurofibromin 1; plus strand). Cytogenetic location: 17q11.2.
Variant type: Deletion.
Coding change: c.7605del on transcript NM_001042492.3 (MANE Select); coding-DNA position 7605, one base deleted (G; older notation c.7605delG).
Protein change: p.Lys2536fs; shifts the reading frame from lysine 2536.
Molecular consequence: frameshift variant.
Genome position (GRCh38, 1-based): chr17:31,352,404, G deleted. VCF-style (leftmost placement, unchanged base first): chr17-31352403-AG-A. GRCh37 (hg19) VCF-style: chr17-29679421-AG-A.
Other names: c.7542delG, p.Lys2515Serfs (NM_000267.4); short protein forms K2536fs, K2515fs.
Identifiers: ClinVar variation 2763610 (VCV002763610.3), dbSNP rs2508812326, ClinGen allele CA2697559624.

ClinVar aggregate classification (germline): Pathogenic (1 of 4 stars; one submission).

Conditions:
Neurofibromatosis, type 1 (NF1). Also called: VON RECKLINGHAUSEN DISEASE; Neurofibromatosis, type I; NEUROFIBROMATOSIS, TYPE I, SOMATIC; Peripheral type neurofibromatosis. Identifiers: Orphanet 636, MedGen C0027831, MONDO:0018975, OMIM 162200. Disease mechanism: loss of function.

Submission:

Labcorp Genetics (formerly Invitae), Labcorp
Classification: Pathogenic for Neurofibromatosis, type 1. Last evaluated: 2024-01-17. Review status: criteria provided, single submitter. Criteria: Invitae Variant Classification Sherloc (09022015). Collection method: clinical testing. Allele origin: germline.
Comment: This sequence change creates a premature translational stop signal (p.Lys2515Serfs*12) in the NF1 gene. It is expected to result in an absent or disrupted protein product. Loss-of-function variants in NF1 are known to be pathogenic (PMID: 10712197, 23913538). This variant is not present in population databases (gnomAD no frequency). This variant has not been reported in the literature in individuals affected with NF1-related conditions. For these reasons, this variant has been classified as Pathogenic.

Literature cited by the submitters: PubMed 10712197; PubMed 23913538.